The following is an entry in ClinVar:

NM_000290.4(PGAM2):c.13C>T (p.Arg5Cys)

Genes: PGAM2 (phosphoglycerate mutase 2; minus strand), DBNL (drebrin like; plus strand). Cytogenetic location: 7p13.
Variant type: single nucleotide variant.
Coding change: c.13C>T on transcript NM_000290.4 (MANE Select); coding-DNA position 13, C replaced by T.
Protein change: p.Arg5Cys; replaces arginine 5 with cysteine.
Molecular consequence: missense variant. On other transcripts: 3 prime UTR variant (6).
Genome position (GRCh38, 1-based): chr7:44,065,517, G>A on the plus strand (C>T on the coding strand, the complement: PGAM2 is on the minus strand). VCF-style: chr7-44065517-G-A. GRCh37 (hg19) VCF-style: chr7-44105116-G-A.
Other names: c.*4601G>A (NM_001014436.3, NM_001122956.2, NM_001284313.2 and 3 more transcripts); short protein forms R5C.
Identifiers: ClinVar variation 2143015 (VCV002143015.1), dbSNP rs374348751, ClinGen allele CA4236703.

ClinVar aggregate classification (germline): Uncertain significance (1 of 4 stars; one submission).

Conditions:
Glycogen storage disease type X (GSD10). Also called: Dimauro disease; GSD X; MYOPATHY DUE TO PHOSPHOGLYCERATE MUTASE DEFICIENCY; PGAMM DEFICIENCY; PHOSPHOGLYCERATE MUTASE, MUSCLE, DEFICIENCY OF; Glycogen storage disease due to phosphoglycerate mutase deficiency. Identifiers: Orphanet 97234, MedGen C0268149, MONDO:0009865, OMIM 261670.

Allele frequency attached by ClinVar (database versions not stated): gnomAD exomes 0.00001; ExAC 0.00002; TOPMed 0.00002; gnomAD 0.00003; ESP Exome Variant Server 0.00008.
gnomAD v4.1: 25 of 1,613,838 alleles (0.0015%); highest among the groups gnomAD compares: South Asian, 0.016%; no homozygotes.

Submission:

Labcorp Genetics (formerly Invitae), Labcorp
Classification: Uncertain significance for Glycogen storage disease type X. Last evaluated: 2022-05-11. Review status: criteria provided, single submitter. Criteria: Invitae Variant Classification Sherloc (09022015). Collection method: clinical testing. Allele origin: germline.
Comment: This sequence change replaces arginine, which is basic and polar, with cysteine, which is neutral and slightly polar, at codon 5 of the PGAM2 protein (p.Arg5Cys). This variant is present in population databases (rs374348751, gnomAD 0.01%). This variant has not been reported in the literature in individuals affected with PGAM2-related conditions. Algorithms developed to predict the effect of missense changes on protein structure and function (SIFT, PolyPhen-2, Align-GVGD) all suggest that this variant is likely to be disruptive. In summary, the available evidence is currently insufficient to determine the role of this variant in disease. Therefore, it has been classified as a Variant of Uncertain Significance.